The following is an entry in ClinVar:

NM_053025.4(MYLK):c.452C>A (p.Thr151Asn)

Gene: MYLK (myosin light chain kinase; minus strand). Cytogenetic location: 3q21.1.
Variant type: single nucleotide variant.
Coding change: c.452C>A on transcript NM_053025.4 (MANE Select); coding-DNA position 452, C replaced by A.
Protein change: p.Thr151Asn; replaces threonine 151 with asparagine.
Molecular consequence: missense variant. On other transcripts: 5 prime UTR variant (1).
Genome position (GRCh38, 1-based): chr3:123,739,033, G>T on the plus strand (C>A on the coding strand, the complement: MYLK is on the minus strand). VCF-style: chr3-123739033-G-T. GRCh37 (hg19) VCF-style: chr3-123457880-G-T.
Other names: c.-77C>A (NM_001321309.2); c.452C>A, p.Thr151Asn (NM_053026.4, NM_053027.4, NM_053028.4); short protein forms T151N.
Identifiers: ClinVar variation 1417166 (VCV001417166.6), dbSNP rs1028014401, ClinGen allele CA354242013.

ClinVar aggregate classification (germline): Uncertain significance (1 of 4 stars; one submission).

Conditions:
Aortic aneurysm, familial thoracic 7 (AAT7). Also called: AORTIC DISSECTION, FAMILIAL, WITH OR WITHOUT AORTIC ANEURYSM. Identifiers: MedGen C3151077, MONDO:0013418, OMIM 613780.

Submission:

Labcorp Genetics (formerly Invitae), Labcorp
Classification: Uncertain significance for Aortic aneurysm, familial thoracic 7. Last evaluated: 2021-09-19. Review status: criteria provided, single submitter. Criteria: Invitae Variant Classification Sherloc (09022015). Collection method: clinical testing. Allele origin: germline.
Comment: In summary, the available evidence is currently insufficient to determine the role of this variant in disease. Therefore, it has been classified as a Variant of Uncertain Significance. Advanced modeling of protein sequence and biophysical properties (such as structural, functional, and spatial information, amino acid conservation, physicochemical variation, residue mobility, and thermodynamic stability) performed at Invitae indicates that this missense variant is not expected to disrupt MYLK protein function. This variant has not been reported in the literature in individuals affected with MYLK-related conditions. This variant is not present in population databases (ExAC no frequency). This sequence change replaces threonine with asparagine at codon 151 of the MYLK protein (p.Thr151Asn). The threonine residue is highly conserved and there is a small physicochemical difference between threonine and asparagine.